The following is an entry in ClinVar:

ClinVar aggregate classification (germline): Likely pathogenic (1 of 4 stars; one submission).

Conditions:
Hereditary leiomyomatosis and renal cell cancer. Also called: MULTIPLE CUTANEOUS AND UTERINE LEIOMYOMATA 1, WITH OR WITHOUT RENAL CELL CARCINOMA; LEIOMYOMA, MULTIPLE CUTANEOUS; FH tumor predisposition syndrome; Reed syndrome; Multiple cutaneous and uterine leiomyomatosis; Cutaneous leiomyomata with uterine leiomyomata. Identifiers: Orphanet 523, MedGen C1708350, MONDO:0007888, OMIM 150800, HP:0007437. Disease mechanism: loss of function.

Submission:

Women's Health and Genetics/Laboratory Corporation of America, LabCorp
Classification: Likely pathogenic for Hereditary leiomyomatosis and renal cell cancer. Last evaluated: 2025-02-10. Review status: criteria provided, single submitter. Criteria: LabCorp Variant Classification Summary - May 2015. Collection method: clinical testing. Allele origin: germline.
Comment: Variant summary: FH c.268-1G>A is located in a canonical splice-site and is predicted to affect mRNA splicing resulting in a significantly altered protein due to either exon skipping, shortening, or inclusion of intronic material. Variants that disrupt the consensus splice site are a relatively common cause of aberrant splicing and loss of FH function. Several computational tools predict a significant impact on normal splicing: Three predict the variant abolishes a 3' acceptor site. Two predict the variant creates a 3' acceptor site. However, these predictions have yet to be confirmed by functional studies. The variant was absent in 251104 control chromosomes (gnomAD). To our knowledge, no occurrence of c.268-1G>A in individuals affected with Hereditary Leiomyomatosis And Renal Cell Cancer and no experimental evidence demonstrating its impact on protein function have been reported. No submitters have cited clinical-significance assessments for this variant to ClinVar. Based on the evidence outlined above, the variant was classified as likely pathogenic.

NM_000143.4(FH):c.268-1G>A

Gene: FH (fumarate hydratase; minus strand). Cytogenetic location: 1q43.
Variant type: single nucleotide variant.
Coding change: c.268-1G>A on transcript NM_000143.4 (MANE Select); the canonical splice acceptor site of the intron before coding-DNA position 268, G replaced by A.
Molecular consequence: splice acceptor variant.
Genome position (GRCh38, 1-based): chr1:241,513,714, C>T on the plus strand (G>A on the coding strand, the complement: FH is on the minus strand). VCF-style: chr1-241513714-C-T. GRCh37 (hg19) VCF-style: chr1-241677014-C-T.
Identifiers: ClinVar variation 3768660 (VCV003768660.1).